The following is an entry in ClinVar:

NM_001283009.2(RTEL1):c.2569T>C (p.Ser857Pro)

Genes: RTEL1 (regulator of telomere elongation helicase 1; plus strand), RTEL1-TNFRSF6B (RTEL1-TNFRSF6B readthrough (NMD candidate); plus strand). Cytogenetic location: 20q13.33.
Variant type: single nucleotide variant.
Coding change: c.2569T>C on transcript NM_001283009.2 (MANE Select); coding-DNA position 2569, T replaced by C.
Protein change: p.Ser857Pro; replaces serine 857 with proline.
Molecular consequence: missense variant. On other transcripts: non-coding transcript variant (1).
Genome position (GRCh38, 1-based): chr20:63,691,754, T>C. VCF-style: chr20-63691754-T-C. GRCh37 (hg19) VCF-style: chr20-62323107-T-C.
Other names: c.1900T>C, p.Ser634Pro (NM_001283010.1); c.2569T>C, p.Ser857Pro (NM_016434.4); c.2641T>C, p.Ser881Pro (NM_032957.5); short protein forms S857P, S634P, S881P.
Identifiers: ClinVar variation 4629609 (VCV004629609.1).

ClinVar aggregate classification (germline): Uncertain significance (1 of 4 stars; one submission).

Conditions:
Inborn genetic diseases. Identifiers: MedGen C0950123, MeSH D030342.

Submission:

Ambry Genetics
Classification: Uncertain significance for Inborn genetic diseases. Last evaluated: 2025-11-15. Review status: criteria provided, single submitter. Criteria: Ambry Variant Classification Scheme 2023. Collection method: clinical testing. Allele origin: germline.
Comment: The p.S857P variant (also known as c.2569T>C), located in coding exon 27 of the RTEL1 gene, results from a T to C substitution at nucleotide position 2569. The serine at codon 857 is replaced by proline, an amino acid with similar properties. This amino acid position is conserved. In addition, this alteration is predicted to be tolerated by in silico analysis. Based on the available evidence, the clinical significance of this variant remains unclear.